The following is an entry in ClinVar:

NM_022114.4(PRDM16):c.2118C>T (p.Pro706=)

Gene: PRDM16 (PR/SET domain 16; plus strand). Cytogenetic location: 1p36.32.
Variant type: single nucleotide variant.
Coding change: c.2118C>T on transcript NM_022114.4 (MANE Select); coding-DNA position 2118, C replaced by T.
Protein change: p.Pro706=; no amino-acid change (proline 706 retained).
Molecular consequence: synonymous variant.
Genome position (GRCh38, 1-based): chr1:3,412,315, C>T. VCF-style: chr1-3412315-C-T. GRCh37 (hg19) VCF-style: chr1-3328879-C-T.
Other names: c.2118C>T, p.Pro706= (NM_199454.3).
Identifiers: ClinVar variation 512276 (VCV000512276.9), dbSNP rs543211916, ClinGen allele CA544387.

ClinVar aggregate classification (germline): Likely benign. Review status: criteria provided, multiple submitters, no conflicts (2 of 4 stars). 2 submissions from 2 submitters: Likely benign (2). Last evaluated 2025-10-28.

Conditions:
Left ventricular noncompaction 8 (LVNC8). Identifiers: Orphanet 154, Orphanet 54260, MedGen C3809288, MONDO:0014152, OMIM 615373.

Allele frequency attached by ClinVar (database versions not stated): gnomAD 0.00006; gnomAD exomes 0.00006 and 0.00008; TOPMed 0.00007; ExAC 0.00011.
gnomAD v4.1: 102 of 1,613,680 alleles (0.0063%); highest among the groups gnomAD compares: Admixed American, 0.028%; no homozygotes.

Submissions (2):

Labcorp Genetics (formerly Invitae), Labcorp
Classification: Likely benign for Left ventricular noncompaction 8. Last evaluated: 2025-10-28. Review status: criteria provided, single submitter. Criteria: Invitae Variant Classification Sherloc (09022015). Collection method: clinical testing. Allele origin: germline.

GeneDx
Classification: Likely benign. Last evaluated: 2017-09-26. Review status: criteria provided, single submitter. Criteria: GeneDx Variant Classification (06012015). Collection method: clinical testing. Allele origin: germline. Affected: yes.
Comment: This variant is considered likely benign or benign based on one or more of the following criteria: it is a conservative change, it occurs at a poorly conserved position in the protein, it is predicted to be benign by multiple in silico algorithms, and/or has population frequency not consistent with disease.